The following is an entry in ClinVar:

ClinVar aggregate classification (germline): Uncertain significance (1 of 4 stars; one submission).

Submission:

GeneDx
Classification: Uncertain significance. Last evaluated: 2023-05-10. Review status: criteria provided, single submitter. Criteria: GeneDx Variant Classification Process June 2021. Collection method: clinical testing. Allele origin: germline. Affected: yes.
Comment: Not observed at significant frequency in large population cohorts (gnomAD); In silico analysis supports that this missense variant has a deleterious effect on protein structure/function; Has not been previously published as pathogenic or benign to our knowledge

NM_000719.7(CACNA1C):c.3751A>G (p.Met1251Val)

Gene: CACNA1C (calcium voltage-gated channel subunit alpha1 C; plus strand). Cytogenetic location: 12p13.33.
Variant type: single nucleotide variant.
Coding change: c.3751A>G on transcript NM_000719.7 (MANE Select); coding-DNA position 3751, A replaced by G.
Protein change: p.Met1251Val; replaces methionine 1251 with valine.
Molecular consequence: missense variant.
Genome position (GRCh38, 1-based): chr12:2,611,936, A>G. VCF-style: chr12-2611936-A-G. GRCh37 (hg19) VCF-style: chr12-2721102-A-G.
Other names: c.3811A>G, p.Met1271Val (NM_001129827.2, NM_001129832.2, NM_199460.4); c.3751A>G, p.Met1251Val (NM_001129829.2, NM_001129830.3, NM_001129831.2 and 15 more transcripts); c.3742A>G, p.Met1248Val (NM_001129844.2); short protein forms M1248V, M1251V, M1271V.
Identifiers: ClinVar variation 2662377 (VCV002662377.1), dbSNP rs2519063131, ClinGen allele CA383377163.